The following is an entry in ClinVar:

ClinVar aggregate classification (germline): Uncertain significance (1 of 4 stars; one submission).

Conditions:
Amyotrophic lateral sclerosis type 1 (ALS1). Also called: AMYOTROPHIC LATERAL SCLEROSIS 1, FAMILIAL. Identifiers: Orphanet 803, MedGen C1862939, MONDO:0007103, OMIM 105400.
Perry syndrome. Also called: PARKINSONISM WITH ALVEOLAR HYPOVENTILATION AND MENTAL DEPRESSION. Identifiers: Orphanet 178509, MedGen C1868594, MONDO:0008201, OMIM 168605.
Neuronopathy, distal hereditary motor, type 7B. Also called: NEURONOPATHY, DISTAL HEREDITARY MOTOR, AUTOSOMAL DOMINANT 14; NEURONOPATHY, DISTAL HEREDITARY MOTOR, HARDING TYPE VIIB; NEUROPATHY, DISTAL HEREDITARY MOTOR, HARDING TYPE VIIB; NEUROPATHY, DISTAL HEREDITARY MOTOR, WITH VOCAL CORD PARALYSIS, HARDING TYPE VIIB; Distal Hereditary Motor Neuronopathy Type 7B (dHMN7B); HMN VIIB. Identifiers: Orphanet 139589, MedGen C1843315, MONDO:0011879, OMIM 607641.

Allele frequency attached by ClinVar (database versions not stated): gnomAD exomes below 0.00001; TOPMed below 0.00001.
gnomAD v4.1: 5 of 1,614,062 alleles (0.00031%); highest among the groups gnomAD compares: Non-Finnish European, 0.00034%; no homozygotes.

Submission:

Labcorp Genetics (formerly Invitae), Labcorp
Classification: Uncertain significance for Amyotrophic lateral sclerosis type 1; Neuronopathy, distal hereditary motor, type 7B; Perry syndrome. Last evaluated: 2024-03-15. Review status: criteria provided, single submitter. Criteria: Invitae Variant Classification Sherloc (09022015). Collection method: clinical testing. Allele origin: germline.
Comment: This sequence change replaces leucine, which is neutral and non-polar, with serine, which is neutral and polar, at codon 339 of the DCTN1 protein (p.Leu339Ser). This variant is not present in population databases (gnomAD no frequency). This variant has not been reported in the literature in individuals affected with DCTN1-related conditions. ClinVar contains an entry for this variant (Variation ID: 2172567). Advanced modeling of protein sequence and biophysical properties (such as structural, functional, and spatial information, amino acid conservation, physicochemical variation, residue mobility, and thermodynamic stability) performed at Invitae indicates that this missense variant is expected to disrupt DCTN1 protein function with a positive predictive value of 80%. In summary, the available evidence is currently insufficient to determine the role of this variant in disease. Therefore, it has been classified as a Variant of Uncertain Significance.

NM_004082.5(DCTN1):c.1016T>C (p.Leu339Ser)

Gene: DCTN1 (dynactin subunit 1; minus strand). Cytogenetic location: 2p13.1.
Variant type: single nucleotide variant.
Coding change: c.1016T>C on transcript NM_004082.5 (MANE Select); coding-DNA position 1016, T replaced by C.
Protein change: p.Leu339Ser; replaces leucine 339 with serine.
Molecular consequence: missense variant. On other transcripts: non-coding transcript variant (1).
Genome position (GRCh38, 1-based): chr2:74,370,653, A>G on the plus strand (T>C on the coding strand, the complement: DCTN1 is on the minus strand). VCF-style: chr2-74370653-A-G. GRCh37 (hg19) VCF-style: chr2-74597780-A-G.
Other names: c.956T>C, p.Leu319Ser (NM_001135040.3); c.614T>C, p.Leu205Ser (NM_001135041.3, NM_023019.4); c.905T>C, p.Leu302Ser (NM_001190836.2); c.995T>C, p.Leu332Ser (NM_001190837.2); c.965T>C, p.Leu322Ser (NM_001378991.1); c.947T>C, p.Leu316Ser (NM_001378992.1); short protein forms L316S, L322S, L332S, L339S, L205S, L302S, L319S.
Identifiers: ClinVar variation 2172567 (VCV002172567.4), dbSNP rs780176785, ClinGen allele CA50477031.